The following is an entry in ClinVar:

NM_005026.5(PIK3CD):c.2123A>G (p.Lys708Arg)

Gene: PIK3CD (phosphatidylinositol-4,5-bisphosphate 3-kinase catalytic subunit delta; plus strand). Cytogenetic location: 1p36.22.
Variant type: single nucleotide variant.
Coding change: c.2123A>G on transcript NM_005026.5 (MANE Select); coding-DNA position 2123, A replaced by G.
Protein change: p.Lys708Arg; replaces lysine 708 with arginine.
Molecular consequence: missense variant.
Genome position (GRCh38, 1-based): chr1:9,722,042, A>G. VCF-style: chr1-9722042-A-G. GRCh37 (hg19) VCF-style: chr1-9782100-A-G.
Other names: c.2120A>G, p.Lys707Arg (NM_001350234.2, NM_001439206.1); c.2036A>G, p.Lys679Arg (NM_001350235.1); c.2123A>G, p.Lys708Arg (NM_001437546.1); c.1979A>G, p.Lys660Arg (NM_001437547.1, NM_001438338.1); short protein forms K708R, K660R, K679R, K707R.
Identifiers: ClinVar variation 4707416 (VCV004707416.1).
Genomic context (GRCh38, chr1:9,722,042, plus strand): 5'-CACTGAGCAAACTGAAGGCCCTGAATGACTTCGTCAAGCTGAGCTCTCAGAAGACCCCCA[A>G]GCCCCAGACCAAGGAGCTGATGCACTTGTGCATGCGGCAGGAGGCCTACCTAGAGGCCCT-3'
Protein context (NP_005017.3, residues 698-718): FVKLSSQKTP[Lys708Arg]PQTKELMHLC

ClinVar aggregate classification (germline): Uncertain significance (1 of 4 stars; one submission).

Conditions:
Immunodeficiency 14 (IMD14A). Also called: p110-DELTA-ACTIVATING MUTATION CAUSING SENESCENT T CELLS, LYMPHADENOPATHY, AND IMMUNODEFICIENCY; ACTIVATED PI3K-DELTA SYNDROME 1; Activated PI3K Delta Syndrome Type 1 (APDS1); IMMUNODEFICIENCY 14A WITH LYMPHOPROLIFERATION, AUTOSOMAL DOMINANT. Identifiers: Orphanet 397596, Orphanet 693661, MedGen C5907821, MONDO:0014222, OMIM 615513.

gnomAD v4.1: 3 of 1,613,594 alleles (0.00019%); highest among the groups gnomAD compares: African/African-American, 0.0013%; no homozygotes.

Submission:

Labcorp Genetics (formerly Invitae), Labcorp
Classification: Uncertain significance for Activated PI3K-delta syndrome. Last evaluated: 2025-12-29. Review status: criteria provided, single submitter. Criteria: Invitae Variant Classification Sherloc (09022015). Collection method: clinical testing. Allele origin: germline.
Comment: This sequence change replaces lysine, which is basic and polar, with arginine, which is basic and polar, at codon 708 of the PIK3CD protein (p.Lys708Arg). This variant is present in population databases (rs779707145, gnomAD 0.0009%). This variant has not been reported in the literature in individuals affected with PIK3CD-related conditions. Invitae Evidence Modeling of protein sequence and biophysical properties (such as structural, functional, and spatial information, amino acid conservation, physicochemical variation, residue mobility, and thermodynamic stability) indicates that this missense variant is not expected to disrupt PIK3CD protein function with a negative predictive value of 80%. In summary, the available evidence is currently insufficient to determine the role of this variant in disease. Therefore, it has been classified as a Variant of Uncertain Significance.